The following is an entry in ClinVar:

NM_020719.3(PRR12):c.4602T>C (p.Ser1534=)

Gene: PRR12 (proline rich 12; plus strand). Cytogenetic location: 19q13.33.
Variant type: single nucleotide variant.
Coding change: c.4602T>C on transcript NM_020719.3 (MANE Select); coding-DNA position 4602, T replaced by C.
Protein change: p.Ser1534=; no amino-acid change (serine 1534 retained).
Molecular consequence: synonymous variant.
Genome position (GRCh38, 1-based): chr19:49,601,747, T>C. VCF-style: chr19-49601747-T-C. GRCh37 (hg19) VCF-style: chr19-50105004-T-C.
Identifiers: ClinVar variation 3041657 (VCV003041657.2), dbSNP rs111398914, ClinGen allele CA9578528.

ClinVar aggregate classification (germline): Benign (0 of 4 stars; one submission).

Conditions:
PRR12-related disorder. Also called: PRR12-related condition.

Allele frequency attached by ClinVar (database versions not stated): gnomAD exomes 0.00235; ExAC 0.01560; ESP Exome Variant Server 0.01865; gnomAD 0.02314; 1000 Genomes Project 0.02616; TOPMed 0.02627; 1000 Genomes Project 30x 0.02780.
gnomAD v4.1: 6,945 of 1,564,644 alleles (0.44%); highest among the groups gnomAD compares: African/African-American, 8.3%; 275 homozygotes.

Submission:

PreventionGenetics, part of Exact Sciences
Classification: Benign for PRR12-related condition. Last evaluated: 2020-02-18. Review status: no assertion criteria provided. Collection method: clinical testing. Allele origin: germline.
Comment: This variant is classified as benign based on ACMG/AMP sequence variant interpretation guidelines (Richards et al. 2015 PMID: 25741868, with internal and published modifications).